The following is an entry in ClinVar:

ClinVar aggregate classification (germline): Conflicting classifications of pathogenicity. Review status: criteria provided, conflicting classifications (1 of 4 stars). 3 submissions from 3 submitters: Uncertain significance (2); Likely benign (1). Last evaluated 2026-05-18.

Conditions:
Inborn genetic diseases. Identifiers: MedGen C0950123, MeSH D030342.

Submissions (3):

Women's Health and Genetics/Laboratory Corporation of America, LabCorp
Classification: Uncertain significance. Last evaluated: 2026-05-18. Review status: criteria provided, single submitter. Criteria: LabCorp Variant Classification Summary - May 2015. Collection method: clinical testing. Allele origin: germline.
Comment: Variant summary: ACAN c.3580G>A (p.Ala1194Thr) results in a non-conservative amino acid change in the encoded protein sequence. Algorithms developed to predict the effect of missense changes on protein structure and function are either unavailable or do not agree on the potential impact of this missense change. The variant allele was found at a frequency of 0.001 in 1994 control chromosomes. The available data on variant occurrences in the general population are insufficient to allow any conclusion about variant significance. To our knowledge, no occurrence of c.3580G>A in individuals affected with ACAN-related conditions and no experimental evidence demonstrating its impact on protein function have been reported. ClinVar contains an entry for this variant (Variation ID: 496983). Based on the evidence outlined above, the variant was classified as uncertain significance.

Ambry Genetics
Classification: Likely benign for Inborn genetic diseases. Last evaluated: 2022-03-16. Review status: criteria provided, single submitter. Criteria: Ambry Variant Classification Scheme 2023. Collection method: clinical testing. Allele origin: germline.

Eurofins Ntd Llc (ga)
Classification: Uncertain significance. Last evaluated: 2015-10-26. Review status: criteria provided, single submitter. Criteria: EGL Classification Definitions 2015. Collection method: clinical testing. Allele origin: germline.

NM_001369268.1(ACAN):c.3580G>A (p.Ala1194Thr)

Gene: ACAN (aggrecan; plus strand). Cytogenetic location: 15q26.1.
Variant type: single nucleotide variant.
Coding change: c.3580G>A on transcript NM_001369268.1 (MANE Select); coding-DNA position 3580, G replaced by A.
Protein change: p.Ala1194Thr; replaces alanine 1194 with threonine.
Molecular consequence: missense variant.
Genome position (GRCh38, 1-based): chr15:88,856,165, G>A. VCF-style: chr15-88856165-G-A. GRCh37 (hg19) VCF-style: chr15-89399396-G-A.
Other names: c.3580G>A (NM_013227.3); c.3580G>A, p.Ala1194Thr (NM_001135.4, NM_013227.4); short protein forms A1194T.
Identifiers: ClinVar variation 496983 (VCV000496983.8), dbSNP rs1322140250, ClinGen allele CA393720035.
Genomic context (GRCh38, chr15:88,856,165, plus strand): 5'-ACCGCTGCCCCTGGAGTAGAGGACATCAGCGGGCTTCCTTCTGGAGAAGTTCTAGAGACC[G>A]CTGCCCCTGGAGTAGAGGACATCAGCGGGCTTCCTTCTGGAGAAGTTCTAGAGACCGCTG-3'
Protein context (NP_001356197.1, residues 1184-1204): GLPSGEVLET[Ala1194Thr]APGVEDISGL